The following is an entry in ClinVar:

ClinVar aggregate classification (germline): Likely benign (1 of 4 stars; one submission).

Conditions:
NF1-related disorder. Also called: NF1-related condition. Identifiers: MedGen CN379171.

gnomAD v4.1: 14 of 151,938 alleles (0.0092%); highest among the groups gnomAD compares: Non-Finnish European, 0.018%; no homozygotes.

Submission:

PreventionGenetics, part of Exact Sciences
Classification: Likely benign for NF1-related condition. Last evaluated: 2025-12-16. Review status: criteria provided, single submitter. Criteria: ACMG Guidelines, 2015. Collection method: clinical testing. Allele origin: germline.
Comment: This variant is classified as likely benign based on ACMG/AMP sequence variant interpretation guidelines (Richards et al. 2015 PMID: 25741868, with internal and published modifications).

NM_001042492.3(NF1):c.4173+1861C>T

Gene: NF1 (neurofibromin 1; plus strand). Cytogenetic location: 17q11.2.
Variant type: single nucleotide variant.
Coding change: c.4173+1861C>T on transcript NM_001042492.3 (MANE Select); 1861 bases into the intron after coding-DNA position 4173, C replaced by T.
Molecular consequence: intron variant.
Genome position (GRCh38, 1-based): chr17:31,254,861, C>T. VCF-style: chr17-31254861-C-T. GRCh37 (hg19) VCF-style: chr17-29581879-C-T.
Other names: c.4111-3483C>T (NM_000267.4).
Identifiers: ClinVar variation 4993308 (VCV004993308.1).
Genomic context (GRCh38, chr17:31,254,861, plus strand): 5'-ATTTCTCAGCACAGGTAATACGAGCTCCTCATGGAAACAAGGGGAATCTAATTGGTAATT[C>T]GAGATATTTTAGAGTACATTCCAAAGTATGAAGACAGTATACTCATAAATTTAAAATGTT-3'